The following is an entry in ClinVar:

NM_001105206.3(LAMA4):c.1267G>A (p.Ala423Thr)

Gene: LAMA4 (laminin subunit alpha 4; minus strand). Cytogenetic location: 6q21.
Variant type: single nucleotide variant.
Coding change: c.1267G>A on transcript NM_001105206.3 (MANE Select); coding-DNA position 1267, G replaced by A.
Protein change: p.Ala423Thr; replaces alanine 423 with threonine.
Molecular consequence: missense variant.
Genome position (GRCh38, 1-based): chr6:112,175,403, C>T on the plus strand (G>A on the coding strand, the complement: LAMA4 is on the minus strand). VCF-style: chr6-112175403-C-T. GRCh37 (hg19) VCF-style: chr6-112496605-C-T.
Other names: c.1246G>A, p.Ala416Thr (NM_001105207.3, NM_002290.5); short protein forms A423T, A416T.
Identifiers: ClinVar variation 4844128 (VCV004844128.1).
Genomic context (GRCh38, chr6:112,175,403, plus strand): 5'-CGAGCTCCCGTTGGGTGAAAAATGGTTGACGGCTTCTAATCTCTTCAAGCATCTTCTGGG[C>T]CAACACCAGCTTCTCAGAGATTTCCTTGGGGCTAAGTTCATGCTCTTCCCCATAATAGAG-3'
Protein context (NP_001098676.2, residues 413-433): PKEISEKLVL[Ala423Thr]QKMLEEIRSR

ClinVar aggregate classification (germline): Uncertain significance (1 of 4 stars; one submission).

Conditions:
Cardiovascular phenotype. Identifiers: MedGen CN230736.

Submission:

Ambry Genetics
Classification: Uncertain significance for Cardiovascular phenotype. Last evaluated: 2026-02-13. Review status: criteria provided, single submitter. Criteria: Ambry Variant Classification Scheme 2023. Collection method: clinical testing. Allele origin: germline.
Comment: The p.A416T variant (also known as c.1246G>A), located in coding exon 10 of the LAMA4 gene, results from a G to A substitution at nucleotide position 1246. The alanine at codon 416 is replaced by threonine, an amino acid with similar properties. This amino acid position is conserved. In addition, this alteration is predicted to be tolerated by in silico analysis. Based on the available evidence, the clinical significance of this variant remains unclear.